The following is an entry in ClinVar:

NM_004618.5(TOP3A):c.2821G>A (p.Ala941Thr)

Gene: TOP3A (DNA topoisomerase III alpha; minus strand). Cytogenetic location: 17p11.2.
Variant type: single nucleotide variant.
Coding change: c.2821G>A on transcript NM_004618.5 (MANE Select); coding-DNA position 2821, G replaced by A.
Protein change: p.Ala941Thr; replaces alanine 941 with threonine.
Molecular consequence: missense variant.
Genome position (GRCh38, 1-based): chr17:18,277,681, C>T on the plus strand (G>A on the coding strand, the complement: TOP3A is on the minus strand). VCF-style: chr17-18277681-C-T. GRCh37 (hg19) VCF-style: chr17-18180995-C-T.
Other names: c.2536G>A, p.Ala846Thr (NM_001320759.2); c.2821G>A (NM_004618.3); short protein forms A941T, A846T.
Identifiers: ClinVar variation 1521601 (VCV001521601.6), dbSNP rs756711722, ClinGen allele CA8429511.

ClinVar aggregate classification (germline): Uncertain significance. Review status: criteria provided, multiple submitters, no conflicts (2 of 4 stars). 2 submissions from 2 submitters: Uncertain significance (2). Last evaluated 2023-08-21.

Conditions:
Inborn genetic diseases. Identifiers: MedGen C0950123, MeSH D030342.

Allele frequency attached by ClinVar (database versions not stated): ExAC 0.00001; gnomAD 0.00001 and 0.00002; gnomAD exomes 0.00001 and 0.00004; TOPMed 0.00002.
gnomAD v4.1: 55 of 1,604,810 alleles (0.0034%); highest among the groups gnomAD compares: Middle Eastern, 0.017%; no homozygotes.

Submissions (2):

Ambry Genetics
Classification: Uncertain significance for Inborn genetic diseases. Last evaluated: 2023-08-21. Review status: criteria provided, single submitter. Criteria: Ambry Variant Classification Scheme 2023. Collection method: clinical testing. Allele origin: germline.

Labcorp Genetics (formerly Invitae), Labcorp
Classification: Uncertain significance. Last evaluated: 2022-03-22. Review status: criteria provided, single submitter. Criteria: Invitae Variant Classification Sherloc (09022015). Collection method: clinical testing. Allele origin: germline.
Comment: This sequence change replaces alanine, which is neutral and non-polar, with threonine, which is neutral and polar, at codon 941 of the TOP3A protein (p.Ala941Thr). This variant is present in population databases (rs756711722, gnomAD 0.003%). This variant has not been reported in the literature in individuals affected with TOP3A-related conditions. Algorithms developed to predict the effect of missense changes on protein structure and function are either unavailable or do not agree on the potential impact of this missense change (SIFT: "Not Available"; PolyPhen-2: "Benign"; Align-GVGD: "Not Available"). In summary, the available evidence is currently insufficient to determine the role of this variant in disease. Therefore, it has been classified as a Variant of Uncertain Significance.